The following is an entry in ClinVar:

NM_003560.4(PLA2G6):c.1428C>A (p.Thr476=)

Gene: PLA2G6 (phospholipase A2 group VI; minus strand). Cytogenetic location: 22q13.1.
Variant type: single nucleotide variant.
Coding change: c.1428C>A on transcript NM_003560.4 (MANE Select); coding-DNA position 1428, C replaced by A.
Protein change: p.Thr476=; no amino-acid change (threonine 476 retained).
Molecular consequence: synonymous variant.
Genome position (GRCh38, 1-based): chr22:38,123,258, G>T on the plus strand (C>A on the coding strand, the complement: PLA2G6 is on the minus strand). VCF-style: chr22-38123258-G-T. GRCh37 (hg19) VCF-style: chr22-38519265-G-T.
Other names: c.1266C>A, p.Thr422= (NM_001004426.3, NM_001199562.3, NM_001349865.2 and 1 more transcripts); c.1428C>A, p.Thr476= (NM_001349864.2); c.894C>A, p.Thr298= (NM_001349867.2); c.750C>A, p.Thr250= (NM_001349868.2); c.732C>A, p.Thr244= (NM_001349869.2).
Identifiers: ClinVar variation 2078265 (VCV002078265.4), dbSNP rs2517962376, ClinGen allele CA514545281.

ClinVar aggregate classification (germline): Uncertain significance (1 of 4 stars; one submission).

Conditions:
Infantile neuroaxonal dystrophy (NBIA2A). Also called: NEURODEGENERATION WITH BRAIN IRON ACCUMULATION 2A; SEITELBERGER DISEASE; Infantile neuroaxonal dystrophy 1. Identifiers: Orphanet 35069, MedGen C0270724, MONDO:0024457, OMIM 256600.

Submission:

Labcorp Genetics (formerly Invitae), Labcorp
Classification: Uncertain significance for Infantile neuroaxonal dystrophy. Last evaluated: 2022-01-11. Review status: criteria provided, single submitter. Criteria: Invitae Variant Classification Sherloc (09022015). Collection method: clinical testing. Allele origin: germline.
Comment: This variant has not been reported in the literature in individuals affected with PLA2G6-related conditions. This variant is not present in population databases (gnomAD no frequency). This sequence change affects codon 476 of the PLA2G6 mRNA. It is a 'silent' change, meaning that it does not change the encoded amino acid sequence of the PLA2G6 protein. It affects a nucleotide within the consensus splice site. Algorithms developed to predict the effect of sequence changes on RNA splicing suggest that this variant is not likely to affect RNA splicing. In summary, the available evidence is currently insufficient to determine the role of this variant in disease. Therefore, it has been classified as a Variant of Uncertain Significance.